The following is an entry in ClinVar:

NM_006904.7(PRKDC):c.32C>G (p.Ser11Cys)

Genes: PRKDC (protein kinase, DNA-activated, catalytic subunit; minus strand), LOC129929030 (ATAC-STARR-seq lymphoblastoid silent region 19177; plus strand). Cytogenetic location: 8q11.21.
Variant type: single nucleotide variant.
Coding change: c.32C>G on transcript NM_006904.7 (MANE Select); coding-DNA position 32, C replaced by G.
Protein change: p.Ser11Cys; replaces serine 11 with cysteine.
Molecular consequence: missense variant.
Genome position (GRCh38, 1-based): chr8:47,960,095, G>C on the plus strand (C>G on the coding strand, the complement: PRKDC is on the minus strand). VCF-style: chr8-47960095-G-C. GRCh37 (hg19) VCF-style: chr8-48872655-G-C.
Other names: c.32C>G, p.Ser11Cys (NM_001081640.2); short protein forms S11C.
Identifiers: ClinVar variation 1729945 (VCV001729945.2), dbSNP rs1201715412, ClinGen allele CA371143057.

ClinVar aggregate classification (germline): Uncertain significance (1 of 4 stars; one submission).

Allele frequency attached by ClinVar (database versions not stated): gnomAD 0.00001.
gnomAD v4.1: 3 of 1,525,256 alleles (0.0002%); highest among the groups gnomAD compares: South Asian, 0.0012%; no homozygotes.

Submission:

Ambry Genetics
Classification: Uncertain significance. Last evaluated: 2021-09-02. Review status: criteria provided, single submitter. Criteria: Ambry Variant Classification Scheme 2023. Collection method: clinical testing. Allele origin: germline.
Comment: The p.S11C variant (also known as c.32C>G), located in coding exon 1 of the PRKDC gene, results from a C to G substitution at nucleotide position 32. The serine at codon 11 is replaced by cysteine, an amino acid with dissimilar properties. This amino acid position is conserved. In addition, this alteration is predicted to be tolerated by in silico analysis. Since supporting evidence is limited at this time, the clinical significance of this alteration remains unclear.